The following is an entry in ClinVar:

ClinVar aggregate classification (germline): Likely pathogenic (1 of 4 stars; one submission).

Conditions:
Cohen syndrome (COH1). Also called: PEPPER SYNDROME; Cutis verticis gyrata, retinitis pigmentosa, and sensorineural deafness. Identifiers: Orphanet 193, MedGen C0265223, MONDO:0008999, OMIM 216550.

Submission:

Natera, Inc.
Classification: Likely pathogenic for Cohen syndrome. Last evaluated: 2025-11-07. Review status: criteria provided, single submitter. Criteria: Natera Variant Classification Schema (03/2026). Collection method: clinical testing. Allele origin: germline.
Comment: The c.3211-1G>T variant in VPS13B is a canonical splice acceptor site variant predicted to affect pre-mRNA splicing, which may result in an abnormal transcript and altered protein product. This variant is expected to result in nonsense mediated decay, truncation, or a dysfunctional protein product. This variant is rare in the general population with a frequency below the threshold expected for the associated phenotype(s). Given the available evidence, this variant is classified as Likely Pathogenic.

NM_152564.5(VPS13B):c.3211-1G>T

Gene: VPS13B (vacuolar protein sorting 13 homolog B; plus strand). Cytogenetic location: 8q22.2.
Variant type: single nucleotide variant.
Coding change: c.3211-1G>T on transcript NM_152564.5 (MANE Select); the canonical splice acceptor site of the intron before coding-DNA position 3211, G replaced by T.
Molecular consequence: splice acceptor variant.
Genome position (GRCh38, 1-based): chr8:99,442,400, G>T. VCF-style: chr8-99442400-G-T. GRCh37 (hg19) VCF-style: chr8-100454628-G-T.
Other names: c.3211-1G>T (NM_017890.5).
Identifiers: ClinVar variation 4815943 (VCV004815943.1).